The following is an entry in ClinVar:

ClinVar aggregate classification (germline): Uncertain significance. Review status: criteria provided, multiple submitters, no conflicts (2 of 4 stars). 2 submissions from 2 submitters: Uncertain significance (2). Last evaluated 2021-08-31.

Conditions:
Congenital neutropenia-myelofibrosis-nephromegaly syndrome. Also called: Severe congenital neutropenia 5, autosomal recessive. Identifiers: Orphanet 369852, MedGen C3809031, MONDO:0014118, OMIM 615285.

Allele frequency attached by ClinVar (database versions not stated): gnomAD exomes 0.00002; ExAC 0.00003.
gnomAD v4.1: 23 of 1,609,828 alleles (0.0014%); highest among the groups gnomAD compares: South Asian, 0.025%; 1 homozygote.

Submissions (2):

Labcorp Genetics (formerly Invitae), Labcorp
Classification: Uncertain significance for Congenital neutropenia-myelofibrosis-nephromegaly syndrome. Last evaluated: 2021-08-31. Review status: criteria provided, single submitter. Criteria: Invitae Variant Classification Sherloc (09022015). Collection method: clinical testing. Allele origin: germline.
Comment: This sequence change replaces threonine with alanine at codon 75 of the VPS45 protein (p.Thr75Ala). The threonine residue is highly conserved and there is a small physicochemical difference between threonine and alanine. This variant is present in population databases (rs782052786, ExAC 0.02%). This variant has not been reported in the literature in individuals affected with VPS45-related conditions. Algorithms developed to predict the effect of missense changes on protein structure and function are either unavailable or do not agree on the potential impact of this missense change (SIFT: "Deleterious"; PolyPhen-2: "Possibly Damaging"; Align-GVGD: "Class C0"). In summary, the available evidence is currently insufficient to determine the role of this variant in disease. Therefore, it has been classified as a Variant of Uncertain Significance.

Baylor Genetics
Classification: Uncertain significance for Congenital neutropenia-myelofibrosis-nephromegaly syndrome. Last evaluated: 2019-07-17. Review status: criteria provided, single submitter. Criteria: ACMG Guidelines, 2015. Collection method: clinical testing. Allele origin: unknown. Affected: yes.
Comment: This variant was determined to be of uncertain significance according to ACMG Guidelines, 2015 [PMID:25741868].

NM_007259.5(VPS45):c.223A>G (p.Thr75Ala)

Gene: VPS45 (vacuolar protein sorting 45 homolog; plus strand). Cytogenetic location: 1q21.2.
Variant type: single nucleotide variant.
Coding change: c.223A>G on transcript NM_007259.5 (MANE Select); coding-DNA position 223, A replaced by G.
Protein change: p.Thr75Ala; replaces threonine 75 with alanine.
Molecular consequence: missense variant. On other transcripts: non-coding transcript variant (1).
Genome position (GRCh38, 1-based): chr1:150,068,759, A>G. VCF-style: chr1-150068759-A-G. GRCh37 (hg19) VCF-style: chr1-150040816-A-G.
Other names: c.115A>G, p.Thr39Ala (NM_001279353.2, NM_001279354.2); short protein forms T39A, T75A.
Identifiers: ClinVar variation 1029151 (VCV001029151.3), dbSNP rs782052786, ClinGen allele CA1073050.